The following is an entry in ClinVar:

NM_001195263.2(PDZD7):c.1842-1G>A

Gene: PDZD7 (PDZ domain containing 7; minus strand). Cytogenetic location: 10q24.31.
Variant type: single nucleotide variant.
Coding change: c.1842-1G>A on transcript NM_001195263.2 (MANE Select); the canonical splice acceptor site of the intron before coding-DNA position 1842, G replaced by A.
Molecular consequence: splice acceptor variant.
Genome position (GRCh38, 1-based): chr10:101,012,017, C>T on the plus strand (G>A on the coding strand, the complement: PDZD7 is on the minus strand). VCF-style: chr10-101012017-C-T. GRCh37 (hg19) VCF-style: chr10-102771774-C-T.
Other names: c.1839-1G>A (NM_001437429.1).
Identifiers: ClinVar variation 4526478 (VCV004526478.1).

ClinVar aggregate classification (germline): Pathogenic (1 of 4 stars; one submission).

Conditions:
Monogenic hearing loss.

gnomAD v4.1: 18 of 1,550,038 alleles (0.0012%); highest among the groups gnomAD compares: South Asian, 0.0036%; no homozygotes.

Submission:

Genetics Laboratory, Great Ormond Street Hospital NHS Foundation Trust, North Thames Genomic Laboratory Hub
Classification: Pathogenic for Monogenic hearing loss. Last evaluated: 2025-09-01. Review status: criteria provided, single submitter. Criteria: ACGS Best Practice Guidelines for Variant Classification in Rare Disease 2024 v1.2. Collection method: clinical testing. Allele origin: germline. Affected: yes.
Comment: PM2_moderate, PVS1_very-strong